The following is an entry in ClinVar:

ClinVar aggregate classification (germline): Uncertain significance (1 of 4 stars; one submission).

gnomAD v4.1: 1 of 1,613,090 alleles (0.000062%); highest among the groups gnomAD compares: African/African-American, 0.0013%; no homozygotes.

Submission:

GeneDx
Classification: Uncertain significance. Last evaluated: 2020-07-28. Review status: criteria provided, single submitter. Criteria: GeneDx Variant Classification Process June 2021. Collection method: clinical testing. Allele origin: germline. Affected: yes.
Comment: Has not been previously published as pathogenic or benign to our knowledge; Not observed in large population cohorts (Lek et al., 2016); In silico analysis supports that this missense variant does not alter protein structure/function

NM_020774.4(MIB1):c.2963G>T (p.Arg988Leu)

Gene: MIB1 (MIB E3 ubiquitin protein ligase 1; plus strand). Cytogenetic location: 18q11.2.
Variant type: single nucleotide variant.
Coding change: c.2963G>T on transcript NM_020774.4 (MANE Select); coding-DNA position 2963, G replaced by T.
Protein change: p.Arg988Leu; replaces arginine 988 with leucine.
Molecular consequence: missense variant.
Genome position (GRCh38, 1-based): chr18:21,864,608, G>T. VCF-style: chr18-21864608-G-T. GRCh37 (hg19) VCF-style: chr18-19444569-G-T.
Other names: short protein forms R988L.
Identifiers: ClinVar variation 1313112 (VCV001313112.2), dbSNP rs775477290, ClinGen allele CA401798126.